The following is an entry in ClinVar:

ClinVar aggregate classification (germline): Uncertain significance. Review status: criteria provided, multiple submitters, no conflicts (2 of 4 stars). 2 submissions from 2 submitters: Uncertain significance (2). Last evaluated 2022-05-17.

Allele frequency attached by ClinVar (database versions not stated): gnomAD exomes 0.00001.
gnomAD v4.1: 15 of 1,613,742 alleles (0.00093%); highest among the groups gnomAD compares: African/African-American, 0.019%; no homozygotes.

Submissions (2):

Blueprint Genetics
Classification: Uncertain significance. Last evaluated: 2022-05-17. Review status: criteria provided, single submitter. Criteria: ACMG Guidelines, 2015. Collection method: clinical testing. Allele origin: germline.

Labcorp Genetics (formerly Invitae), Labcorp
Classification: Uncertain significance. Last evaluated: 2022-02-22. Review status: criteria provided, single submitter. Criteria: Invitae Variant Classification Sherloc (09022015). Collection method: clinical testing. Allele origin: germline.
Comment: In summary, the available evidence is currently insufficient to determine the role of this variant in disease. Therefore, it has been classified as a Variant of Uncertain Significance. Algorithms developed to predict the effect of missense changes on protein structure and function are either unavailable or do not agree on the potential impact of this missense change (SIFT: "Not Available"; PolyPhen-2: "Benign"; Align-GVGD: "Not Available"). This variant has not been reported in the literature in individuals affected with TULP1-related conditions. This variant is present in population databases (no rsID available, gnomAD 0.02%). This sequence change replaces arginine, which is basic and polar, with leucine, which is neutral and non-polar, at codon 318 of the TULP1 protein (p.Arg318Leu).

NM_003322.6(TULP1):c.953G>T (p.Arg318Leu)

Gene: TULP1 (TUB like protein 1; minus strand). Cytogenetic location: 6p21.31.
Variant type: single nucleotide variant.
Coding change: c.953G>T on transcript NM_003322.6 (MANE Select); coding-DNA position 953, G replaced by T.
Protein change: p.Arg318Leu; replaces arginine 318 with leucine.
Molecular consequence: missense variant.
Genome position (GRCh38, 1-based): chr6:35,506,049, C>A on the plus strand (G>T on the coding strand, the complement: TULP1 is on the minus strand). VCF-style: chr6-35506049-C-A. GRCh37 (hg19) VCF-style: chr6-35473826-C-A.
Other names: c.794G>T, p.Arg265Leu (NM_001289395.2); short protein forms R318L, R265L.
Identifiers: ClinVar variation 2174009 (VCV002174009.3), dbSNP rs986255916, ClinGen allele CA137288506.